The following is an entry in ClinVar:

NM_053025.4(MYLK):c.1132C>G (p.Arg378Gly)

Gene: MYLK (myosin light chain kinase; minus strand). Cytogenetic location: 3q21.1.
Variant type: single nucleotide variant.
Coding change: c.1132C>G on transcript NM_053025.4 (MANE Select); coding-DNA position 1132, C replaced by G.
Protein change: p.Arg378Gly; replaces arginine 378 with glycine.
Molecular consequence: missense variant.
Genome position (GRCh38, 1-based): chr3:123,733,864, G>C on the plus strand (C>G on the coding strand, the complement: MYLK is on the minus strand). VCF-style: chr3-123733864-G-C. GRCh37 (hg19) VCF-style: chr3-123452711-G-C.
Other names: c.604C>G, p.Arg202Gly (NM_001321309.2); c.1132C>G, p.Arg378Gly (NM_053026.4, NM_053027.4, NM_053028.4); short protein forms R378G, R202G.
Identifiers: ClinVar variation 390503 (VCV000390503.57), dbSNP rs11920433, ClinGen allele CA066709.
Genomic context (GRCh38, chr3:123,733,864, plus strand): 5'-CCTTGCTCACAACATCTTGGCTCCCCAGGCCAGGCTGCCTGGTGGGGAAGGTGGCTGGAC[G>C]GGGAGGAGCTGGCCTCTTCCTCTCTTCTCCAGAAGGTGATAGGACCCCCAGGCCTGGTGC-3'
Protein context (NP_444253.3, residues 368-388): GEERKRPAPP[Arg378Gly]PATFPTRQPG

ClinVar aggregate classification (germline): Likely benign. Review status: criteria provided, multiple submitters, no conflicts (2 of 4 stars). 6 submissions from 6 submitters: Likely benign (6). Last evaluated 2025-12-31.

Conditions:
Familial thoracic aortic aneurysm and aortic dissection (TAAD). Also called: Thoracic aortic aneurysms and dissections. Identifiers: Orphanet 91387, MedGen C4707243, MONDO:0019625.
Aortic aneurysm, familial thoracic 7 (AAT7). Also called: AORTIC DISSECTION, FAMILIAL, WITH OR WITHOUT AORTIC ANEURYSM. Identifiers: MedGen C3151077, MONDO:0013418, OMIM 613780.
Megacystis-microcolon-intestinal hypoperistalsis syndrome 1. Identifiers: MedGen C5542316, MONDO:0100354, OMIM 249210.

Allele frequency attached by ClinVar (database versions not stated): ExAC 0.00027; 1000 Genomes Project 0.00080; 1000 Genomes Project 30x 0.00094; gnomAD 0.00104 and 0.00111; ESP Exome Variant Server 0.00108; TOPMed 0.00111.
gnomAD v4.1: 298 of 1,614,136 alleles (0.018%); highest among the groups gnomAD compares: African/African-American, 0.37%; no homozygotes.

Submissions (6):

Labcorp Genetics (formerly Invitae), Labcorp
Classification: Likely benign for Aortic aneurysm, familial thoracic 7. Last evaluated: 2025-12-31. Review status: criteria provided, single submitter. Criteria: Invitae Variant Classification Sherloc (09022015). Collection method: clinical testing. Allele origin: germline.

Molecular Diagnostic Laboratory for Inherited Cardiovascular Disease, Montreal Heart Institute
Classification: Likely benign. Last evaluated: 2025-07-24. Review status: criteria provided, single submitter. Criteria: ACMG Guidelines, 2015. Collection method: clinical testing. Allele origin: germline. Affected: no.
Comment: BS1;BP4

Women's Health and Genetics/Laboratory Corporation of America, LabCorp
Classification: Likely benign. Last evaluated: 2023-08-10. Review status: criteria provided, single submitter. Criteria: LabCorp Variant Classification Summary - May 2015. Collection method: clinical testing. Allele origin: germline.

GeneDx
Classification: Likely benign. Last evaluated: 2021-12-21. Review status: criteria provided, single submitter. Criteria: GeneDx Variant Classification Process June 2021. Collection method: clinical testing. Allele origin: germline. Affected: yes.

Fulgent Genetics
Classification: Likely benign for Megacystis-microcolon-intestinal hypoperistalsis syndrome 1; Aortic aneurysm, familial thoracic 7. Last evaluated: 2021-07-28. Review status: criteria provided, single submitter. Criteria: ACMG Guidelines, 2015. Collection method: clinical testing. Allele origin: unknown.

Ambry Genetics
Classification: Likely benign for Familial thoracic aortic aneurysm and aortic dissection. Last evaluated: 2016-09-30. Review status: criteria provided, single submitter. Criteria: Ambry Variant Classification Scheme 2023. Collection method: clinical testing. Allele origin: germline.